The following is an entry in ClinVar:

NM_003640.5(ELP1):c.1237A>G (p.Met413Val)

Gene: ELP1 (elongator acetyltransferase complex subunit 1; minus strand). Cytogenetic location: 9q31.3.
Variant type: single nucleotide variant.
Coding change: c.1237A>G on transcript NM_003640.5 (MANE Select); coding-DNA position 1237, A replaced by G.
Protein change: p.Met413Val; replaces methionine 413 with valine.
Molecular consequence: missense variant.
Genome position (GRCh38, 1-based): chr9:108,911,133, T>C on the plus strand (A>G on the coding strand, the complement: ELP1 is on the minus strand). VCF-style: chr9-108911133-T-C. GRCh37 (hg19) VCF-style: chr9-111673413-T-C.
Other names: c.895A>G, p.Met299Val (NM_001318360.2); c.190A>G, p.Met64Val (NM_001330749.2); short protein forms M64V, M299V, M413V.
Identifiers: ClinVar variation 3275233 (VCV003275233.1).
Genomic context (GRCh38, chr9:108,911,133, plus strand): 5'-GGTGTGCTAAGAATGTGACTTGATTCACAGGGTGTGGGAACAGCAGTTGGTAGGTGCACA[T>C]GGGAGGCGGAACCACAGTCTGCCGGAAGACTGTCACCAACACCCTGTCTGCAGTGAAAAA-3'
Protein context (NP_003631.2, residues 403-423): VFRQTVVPPP[Met413Val]CTYQLLFPHP

ClinVar aggregate classification (germline): Uncertain significance (1 of 4 stars; one submission).

Submission:

Ambry Genetics
Classification: Uncertain significance. Last evaluated: 2024-04-25. Review status: criteria provided, single submitter. Criteria: Ambry Variant Classification Scheme 2023. Collection method: clinical testing. Allele origin: germline.
Comment: The p.M413V variant (also known as c.1237A>G), located in coding exon 11 of the IKBKAP gene, results from an A to G substitution at nucleotide position 1237. The methionine at codon 413 is replaced by valine, an amino acid with highly similar properties. This amino acid position is conserved. In addition, this alteration is predicted to be tolerated by in silico analysis. Based on the available evidence, the clinical significance of this variant remains unclear.